The following is an entry in ClinVar:

ClinVar aggregate classification (germline): Benign. Review status: criteria provided, multiple submitters, no conflicts (2 of 4 stars). 3 submissions from 3 submitters: Benign (3). Last evaluated 2021-04-19.

Conditions:
Parkinson disease 5, autosomal dominant, susceptibility to (PARK5). Also called: Parkinson disease 5, susceptibility to. Identifiers: Orphanet 2828, MedGen C3150899, MONDO:0013340, OMIM 613643.

Allele frequency attached by ClinVar (database versions not stated): ESP Exome Variant Server 0.08619; TOPMed 0.09679; 1000 Genomes Project 30x 0.10462; 1000 Genomes Project 0.10703; ExAC 0.11092; gnomAD 0.11322.
gnomAD v4.1: 153,320 of 1,613,688 alleles (9.5%); highest among the groups gnomAD compares: East Asian, 15%; 8,016 homozygotes.

Submissions (3):

GeneDx
Classification: Benign. Last evaluated: 2021-04-19. Review status: criteria provided, single submitter. Criteria: GeneDx Variant Classification Process June 2021. Collection method: clinical testing. Allele origin: germline. Affected: yes.

Illumina Laboratory Services, Illumina
Classification: Benign for Parkinson disease 5, autosomal dominant, susceptibility to. Last evaluated: 2018-01-13. Review status: criteria provided, single submitter. Criteria: ICSL Variant Classification Criteria 13 December 2019. Collection method: clinical testing. Allele origin: germline.
Comment: This variant was observed in the ICSL laboratory as part of a predisposition screen in an ostensibly healthy population. It had not been previously curated by ICSL or reported in the Human Gene Mutation Database (HGMD: prior to June 1st, 2018), and was therefore a candidate for classification through an automated scoring system. Utilizing variant allele frequency, disease prevalence and penetrance estimates, and inheritance mode, an automated score was calculated to assess if this variant is too frequent to cause the disease. Based on the score and internal cut-off values, a variant classified as benign is not then subjected to further curation. The score for this variant resulted in a classification of benign for this disease.

Breakthrough Genomics
Classification: Benign. Review status: criteria provided, single submitter. Criteria: ACMG Guidelines, 2015. Collection method: not provided. Allele origin: germline. Inheritance: Autosomal recessive inheritance. Affected: yes.

NM_004181.5(UCHL1):c.-24A>G

Gene: UCHL1 (ubiquitin C-terminal hydrolase L1; plus strand). Cytogenetic location: 4p13.
Variant type: single nucleotide variant.
Coding change: c.-24A>G on transcript NM_004181.5 (MANE Select); 24 bases upstream of the start codon, A replaced by G.
Molecular consequence: 5 prime UTR variant.
Genome position (GRCh38, 1-based): chr4:41,256,953, A>G. VCF-style: chr4-41256953-A-G. GRCh37 (hg19) VCF-style: chr4-41258970-A-G.
Identifiers: ClinVar variation 348766 (VCV000348766.7), dbSNP rs11556271, ClinGen allele CA2899843.